The following is an entry in ClinVar:

NM_004104.5(FASN):c.2881T>C (p.Trp961Arg)

Gene: FASN (fatty acid synthase; minus strand). Cytogenetic location: 17q25.3.
Variant type: single nucleotide variant.
Coding change: c.2881T>C on transcript NM_004104.5 (MANE Select); coding-DNA position 2881, T replaced by C.
Protein change: p.Trp961Arg; replaces tryptophan 961 with arginine.
Molecular consequence: missense variant.
Genome position (GRCh38, 1-based): chr17:82,087,847, A>G on the plus strand (T>C on the coding strand, the complement: FASN is on the minus strand). VCF-style: chr17-82087847-A-G. GRCh37 (hg19) VCF-style: chr17-80045723-A-G.
Other names: short protein forms W961R.
Identifiers: ClinVar variation 947648 (VCV000947648.11), dbSNP rs763326290, ClinGen allele CA8852592.

ClinVar aggregate classification (germline): Uncertain significance. Review status: criteria provided, multiple submitters, no conflicts (2 of 4 stars). 2 submissions from 2 submitters: Uncertain significance (2). Last evaluated 2025-06-04.

Conditions:
Epileptic encephalopathy. Identifiers: MedGen C0543888, HP:0200134.

Allele frequency attached by ClinVar (database versions not stated): gnomAD 0.00002; TOPMed 0.00002; gnomAD exomes 0.00003; ExAC 0.00004.

Submissions (2):

Labcorp Genetics (formerly Invitae), Labcorp
Classification: Uncertain significance for Epileptic encephalopathy. Last evaluated: 2025-06-04. Review status: criteria provided, single submitter. Criteria: Invitae Variant Classification Sherloc (09022015). Collection method: clinical testing. Allele origin: germline.
Comment: This sequence change replaces tryptophan, which is neutral and slightly polar, with arginine, which is basic and polar, at codon 961 of the FASN protein (p.Trp961Arg). This variant is present in population databases (rs763326290, gnomAD 0.008%). This variant has not been reported in the literature in individuals affected with FASN-related conditions. ClinVar contains an entry for this variant (Variation ID: 947648). An algorithm developed to predict the effect of missense changes on protein structure and function (PolyPhen-2) suggests that this variant is likely to be tolerated. In summary, the available evidence is currently insufficient to determine the role of this variant in disease. Therefore, it has been classified as a Variant of Uncertain Significance.

Revvity Omics, Revvity
Classification: Uncertain significance. Last evaluated: 2019-07-05. Review status: criteria provided, single submitter. Criteria: ACMG Guidelines, 2015. Collection method: clinical testing. Allele origin: germline.